The following is an entry in ClinVar:

NM_001004334.4(GPR179):c.4967del (p.Pro1656fs)

Gene: GPR179 (G protein-coupled receptor 179; minus strand). Cytogenetic location: 17q12.
Variant type: Deletion.
Coding change: c.4967del on transcript NM_001004334.4 (MANE Select); coding-DNA position 4967, one base deleted (C; older notation c.4967delC).
Protein change: p.Pro1656fs; shifts the reading frame from proline 1656.
Molecular consequence: frameshift variant.
Genome position (GRCh38, 1-based): chr17:38,328,602, G deleted on the plus strand (C on the coding strand, the reverse complement: GPR179 is on the minus strand); the first of 3 consecutive G bases (chr17:38,328,602-38,328,604); deleting any one gives the same sequence. VCF-style (leftmost placement, unchanged base first): chr17-38328601-AG-A. GRCh37 (hg19) VCF-style: chr17-36484484-AG-A.
Other names: short protein forms P1656fs.
Identifiers: ClinVar variation 1517835 (VCV001517835.8), dbSNP rs770701445, ClinGen allele CA290103822.

ClinVar aggregate classification (germline): Uncertain significance (1 of 4 stars; one submission).

Submission:

Labcorp Genetics (formerly Invitae), Labcorp
Classification: Uncertain significance. Last evaluated: 2022-01-14. Review status: criteria provided, single submitter. Criteria: Invitae Variant Classification Sherloc (09022015). Collection method: clinical testing. Allele origin: germline.
Comment: In summary, the available evidence is currently insufficient to determine the role of this variant in disease. Therefore, it has been classified as a Variant of Uncertain Significance. Experimental studies and prediction algorithms are not available or were not evaluated, and the functional significance of this variant is currently unknown. This variant has not been reported in the literature in individuals affected with GPR179-related conditions. This variant is present in population databases (rs770701445, gnomAD 0.002%). This sequence change creates a premature translational stop signal (p.Pro1656Leufs*42) in the GPR179 gene. While this is not anticipated to result in nonsense mediated decay, it is expected to disrupt the last 712 amino acid(s) of the GPR179 protein.